The following is an entry in ClinVar:

ClinVar aggregate classification (germline): Likely benign (1 of 4 stars; one submission).

Conditions:
NEDD4-related disorder. Also called: NEDD4-related condition.

gnomAD v4.1: 290 of 1,613,962 alleles (0.018%); highest among the groups gnomAD compares: South Asian, 0.31%; 3 homozygotes.

Submission:

PreventionGenetics, part of Exact Sciences
Classification: Likely benign for NEDD4-related condition. Last evaluated: 2025-07-23. Review status: criteria provided, single submitter. Criteria: ACMG Guidelines, 2015. Collection method: clinical testing. Allele origin: germline.
Comment: This variant is classified as likely benign based on ACMG/AMP sequence variant interpretation guidelines (Richards et al. 2015 PMID: 25741868, with internal and published modifications).

NM_006154.4(NEDD4):c.291+8946G>C

Gene: NEDD4 (NEDD4 E3 ubiquitin protein ligase; minus strand). Cytogenetic location: 15q21.3.
Variant type: single nucleotide variant.
Coding change: c.291+8946G>C on transcript NM_006154.4 (MANE Select); 8946 bases into the intron after coding-DNA position 291, G replaced by C.
Molecular consequence: intron variant. On other transcripts: missense variant (4), non-coding transcript variant (1).
Genome position (GRCh38, 1-based): chr15:55,915,700, C>G on the plus strand (G>C on the coding strand, the complement: NEDD4 is on the minus strand). VCF-style: chr15-55915700-C-G. GRCh37 (hg19) VCF-style: chr15-56207898-C-G.
Other names: c.1132G>C, p.Val378Leu (NM_001284338.2, NM_001284339.1, NM_001284340.1 and 1 more transcripts); c.-151+8946G>C (NM_001329212.2); short protein forms V378L.
Identifiers: ClinVar variation 4981139 (VCV004981139.1).
Genomic context (GRCh38, chr15:55,915,700, plus strand): 5'-TACAATCACCATTTGTTGTTTCACAGTCTAATGTAGCTGCTTTTCGTTGGGTGAAATGCA[C>G]TGAAACACAAGAATATCCTTCAGATGACTTTTCACAGACAGTCTGTCTGGGAGTATTATT-3'